The following is an entry in ClinVar:

ClinVar aggregate classification (germline): Uncertain significance (1 of 4 stars; one submission).

Conditions:
KIDINS220-related disorder. Also called: KIDINS220-related condition.

gnomAD v4.1: 11 of 1,613,966 alleles (0.00068%); highest among the groups gnomAD compares: Middle Eastern, 0.016%; no homozygotes.

Submission:

PreventionGenetics, part of Exact Sciences
Classification: Uncertain significance for KIDINS220-related condition. Last evaluated: 2025-09-27. Review status: criteria provided, single submitter. Criteria: ACMG Guidelines, 2015. Collection method: clinical testing. Allele origin: germline.
Comment: The KIDINS220 c.4543C>T variant is predicted to result in the amino acid substitution p.Arg1515Cys. To our knowledge, this variant has not been reported in the literature. This variant is reported in 0.0018% of alleles in individuals of European (Non-Finnish) descent in gnomAD. At this time, the clinical significance of this variant is uncertain due to the absence of conclusive functional and genetic evidence.

NM_020738.4(KIDINS220):c.4543C>T (p.Arg1515Cys)

Gene: KIDINS220 (kinase D interacting substrate 220; minus strand). Cytogenetic location: 2p25.1.
Variant type: single nucleotide variant.
Coding change: c.4543C>T on transcript NM_020738.4 (MANE Select); coding-DNA position 4543, C replaced by T.
Protein change: p.Arg1515Cys; replaces arginine 1515 with cysteine.
Molecular consequence: missense variant. On other transcripts: intron variant (6).
Genome position (GRCh38, 1-based): chr2:8,731,493, G>A on the plus strand (C>T on the coding strand, the complement: KIDINS220 is on the minus strand). VCF-style: chr2-8731493-G-A. GRCh37 (hg19) VCF-style: chr2-8871623-G-A.
Other names: c.4546C>T, p.Arg1516Cys (NM_001348729.2); c.4489C>T, p.Arg1497Cys (NM_001348731.2); c.4486C>T, p.Arg1496Cys (NM_001348732.2); c.4375C>T, p.Arg1459Cys (NM_001348734.2); c.4372C>T, p.Arg1458Cys (NM_001348735.2); c.4246C>T, p.Arg1416Cys (NM_001348736.2); c.3882+1951C>T (NM_001348741.2, NM_001348742.2, NM_001348743.2); c.3996+1951C>T (NM_001348738.2); and 1 more; short protein forms R1459C, R1497C, R1458C, R1516C, R1416C, R1496C, R1515C.
Identifiers: ClinVar variation 4989146 (VCV004989146.1).
Genomic context (GRCh38, chr2:8,731,493, plus strand): 5'-GAGTGTTATCTGATTCTTCTGTGCCAGATTCATCCTCGTCACTTGGGAGTTTTTGATAGC[G>A]CAGCCCACTTCCCTTAAGCTTCAAATCTGTCTGGAAGAGGCTTGACCTTTCGGAAGATTT-3'
Protein context (NP_065789.1, residues 1505-1525): TDLKLKGSGL[Arg1515Cys]YQKLPSDEDE